The following is an entry in ClinVar:

ClinVar aggregate classification (germline): Uncertain significance (0 of 4 stars; one submission).

Conditions:
SEMA3C-related disorder. Also called: SEMA3C-related condition.

gnomAD v4.1: 2 of 1,610,294 alleles (0.00012%); highest among the groups gnomAD compares: Admixed American, 0.0017%; no homozygotes.

Submission:

PreventionGenetics, part of Exact Sciences
Classification: Uncertain significance for SEMA3C-related condition. Last evaluated: 2024-04-29. Review status: no assertion criteria provided. Collection method: clinical testing. Allele origin: germline.
Comment: The SEMA3C c.964G>T variant is predicted to result in premature protein termination (p.Glu322*). To our knowledge, this variant has not been reported in the literature or in a large population database, indicating this variant is rare. At this time, the clinical significance of this variant is uncertain due to the absence of conclusive functional and genetic evidence.

NM_006379.5(SEMA3C):c.910G>T (p.Glu304Ter)

Gene: SEMA3C (semaphorin 3C; minus strand). Cytogenetic location: 7q21.11.
Variant type: single nucleotide variant.
Coding change: c.910G>T on transcript NM_006379.5 (MANE Select); coding-DNA position 910, G replaced by T.
Protein change: p.Glu304Ter; replaces glutamic acid 304 with a stop codon.
Molecular consequence: nonsense.
Genome position (GRCh38, 1-based): chr7:80,802,671, C>A on the plus strand (G>T on the coding strand, the complement: SEMA3C is on the minus strand). VCF-style: chr7-80802671-C-A. GRCh37 (hg19) VCF-style: chr7-80431987-C-A.
Other names: c.964G>T, p.Glu322Ter (NM_001350120.2); c.736G>T, p.Glu246Ter (NM_001350121.2); short protein forms E246*, E304*, E322*.
Identifiers: ClinVar variation 3355778 (VCV003355778.1).